The following is an entry in ClinVar:

NM_152866.3(MS4A1):c.811GAA[3] (p.Glu274del)

Gene: MS4A1 (membrane spanning 4-domains A1; plus strand). Cytogenetic location: 11q12.2.
Variant type: Microsatellite.
Coding change: c.811GAA[3] on transcript NM_152866.3 (MANE Select); three copies in a row of the 3-base unit GAA starting at c.811; the reference has four copies in a row; one copy, 3 bases deleted.
Protein change: p.Glu274del; deletes glutamic acid 274.
Molecular consequence: inframe deletion.
Genome position (GRCh38, 1-based): chr11:60,468,394-60,468,396, GAA deleted; deleting any 3 consecutive bases within chr11:60,468,385-60,468,396 gives the same sequence; the position shown is the placement nearest the transcript's 3' end. VCF-style (leftmost placement, unchanged base first): chr11-60468384-GGAA-G. GRCh37 (hg19) VCF-style: chr11-60235857-GGAA-G.
Other names: c.811GAA[3], p.Glu274del (NM_021950.4, NM_152867.2); short protein forms E274del.
Identifiers: ClinVar variation 2422098 (VCV002422098.6), dbSNP rs1306657303, ClinGen allele CA1976872975.

ClinVar aggregate classification (germline): Uncertain significance (1 of 4 stars; one submission).

Submission:

Labcorp Genetics (formerly Invitae), Labcorp
Classification: Uncertain significance. Last evaluated: 2022-09-27. Review status: criteria provided, single submitter. Criteria: Invitae Variant Classification Sherloc (09022015). Collection method: clinical testing. Allele origin: germline.
Comment: In summary, the available evidence is currently insufficient to determine the role of this variant in disease. Therefore, it has been classified as a Variant of Uncertain Significance. Experimental studies and prediction algorithms are not available or were not evaluated, and the functional significance of this variant is currently unknown. This variant has not been reported in the literature in individuals affected with MS4A1-related conditions. This variant is not present in population databases (gnomAD no frequency). This variant, c.820_822del, results in the deletion of 1 amino acid(s) of the MS4A1 protein (p.Glu274del), but otherwise preserves the integrity of the reading frame.